The following is an entry in ClinVar:

NM_001792.5(CDH2):c.2139C>A (p.Asp713Glu)

Gene: CDH2 (cadherin 2; minus strand). Cytogenetic location: 18q12.1.
Variant type: single nucleotide variant.
Coding change: c.2139C>A on transcript NM_001792.5 (MANE Select); coding-DNA position 2139, C replaced by A.
Protein change: p.Asp713Glu; replaces aspartic acid 713 with glutamic acid.
Molecular consequence: missense variant.
Genome position (GRCh38, 1-based): chr18:27,985,070, G>T on the plus strand (C>A on the coding strand, the complement: CDH2 is on the minus strand). VCF-style: chr18-27985070-G-T. GRCh37 (hg19) VCF-style: chr18-25565034-G-T.
Other names: c.2046C>A, p.Asp682Glu (NM_001308176.2); c.2139C>A (NM_001792.3); short protein forms D682E, D713E.
Identifiers: ClinVar variation 2132503 (VCV002132503.6), dbSNP rs2510792317, ClinGen allele CA402106788.

ClinVar aggregate classification (germline): Uncertain significance. Review status: criteria provided, multiple submitters, no conflicts (2 of 4 stars). 2 submissions from 2 submitters: Uncertain significance (2). Last evaluated 2024-05-20.

Conditions:
Inborn genetic diseases. Identifiers: MedGen C0950123, MeSH D030342.

Submissions (2):

Labcorp Genetics (formerly Invitae), Labcorp
Classification: Uncertain significance. Last evaluated: 2024-05-20. Review status: criteria provided, single submitter. Criteria: Invitae Variant Classification Sherloc (09022015). Collection method: clinical testing. Allele origin: germline.
Comment: This sequence change replaces aspartic acid, which is acidic and polar, with glutamic acid, which is acidic and polar, at codon 713 of the CDH2 protein (p.Asp713Glu). This variant is not present in population databases (gnomAD no frequency). This variant has not been reported in the literature in individuals affected with CDH2-related conditions. ClinVar contains an entry for this variant (Variation ID: 2132503). An algorithm developed to predict the effect of missense changes on protein structure and function (PolyPhen-2) suggests that this variant is likely to be tolerated. In summary, the available evidence is currently insufficient to determine the role of this variant in disease. Therefore, it has been classified as a Variant of Uncertain Significance.

Ambry Genetics
Classification: Uncertain significance for Inborn genetic diseases. Last evaluated: 2023-06-14. Review status: criteria provided, single submitter. Criteria: Ambry Variant Classification Scheme 2023. Collection method: clinical testing. Allele origin: germline.
Comment: The p.D713E variant (also known as c.2139C>A), located in coding exon 13 of the CDH2 gene, results from a C to A substitution at nucleotide position 2139. The aspartic acid at codon 713 is replaced by glutamic acid, an amino acid with highly similar properties. This amino acid position is conserved. In addition, this alteration is predicted to be tolerated by in silico analysis. Since supporting evidence is limited at this time, the clinical significance of this alteration remains unclear.